The following is an entry in ClinVar:

ClinVar aggregate classification (germline): Uncertain significance (1 of 4 stars; one submission).

Conditions:
Cornelia de Lange syndrome 1 (CDLS1). Also called: Brachmann de Lange syndrome; NIPBL-Related Cornelia de Lange Syndrome; TYPUS DEGENERATIVUS AMSTELODAMENSIS. Identifiers: Orphanet 199, MedGen C4551851, MONDO:0007387, OMIM 122470.

Allele frequency attached by ClinVar (database versions not stated): gnomAD exomes below 0.00001; gnomAD 0.00001; TOPMed 0.00001; ExAC 0.00002.
gnomAD v4.1: 4 of 1,613,544 alleles (0.00025%); highest among the groups gnomAD compares: East Asian, 0.0022%; no homozygotes.

Submission:

Labcorp Genetics (formerly Invitae), Labcorp
Classification: Uncertain significance for Cornelia de Lange syndrome 1. Last evaluated: 2023-12-14. Review status: criteria provided, single submitter. Criteria: Invitae Variant Classification Sherloc (09022015). Collection method: clinical testing. Allele origin: germline.
Comment: This sequence change replaces arginine, which is basic and polar, with cysteine, which is neutral and slightly polar, at codon 894 of the NIPBL protein (p.Arg894Cys). This variant is present in population databases (rs769488387, gnomAD 0.005%). This variant has not been reported in the literature in individuals affected with NIPBL-related conditions. Advanced modeling of protein sequence and biophysical properties (such as structural, functional, and spatial information, amino acid conservation, physicochemical variation, residue mobility, and thermodynamic stability) has been performed at Invitae for this missense variant, however the output from this modeling did not meet the statistical confidence thresholds required to predict the impact of this variant on NIPBL protein function. In summary, the available evidence is currently insufficient to determine the role of this variant in disease. Therefore, it has been classified as a Variant of Uncertain Significance.

NM_133433.4(NIPBL):c.2680C>T (p.Arg894Cys)

Gene: NIPBL (NIPBL cohesin loading factor; plus strand). Cytogenetic location: 5p13.2.
Variant type: single nucleotide variant.
Coding change: c.2680C>T on transcript NM_133433.4 (MANE Select); coding-DNA position 2680, C replaced by T.
Protein change: p.Arg894Cys; replaces arginine 894 with cysteine.
Molecular consequence: missense variant.
Genome position (GRCh38, 1-based): chr5:36,985,860, C>T. VCF-style: chr5-36985860-C-T. GRCh37 (hg19) VCF-style: chr5-36985962-C-T.
Other names: c.2680C>T, p.Arg894Cys (NM_015384.5); short protein forms R894C.
Identifiers: ClinVar variation 2728450 (VCV002728450.3), dbSNP rs769488387, ClinGen allele CA3236210.